The following is an entry in ClinVar:

ClinVar aggregate classification (germline): Uncertain significance. Review status: criteria provided, multiple submitters, no conflicts (2 of 4 stars). 4 submissions from 4 submitters: Uncertain significance (4). Last evaluated 2025-01-14.

Allele frequency attached by ClinVar (database versions not stated): gnomAD 0.00001; gnomAD exomes 0.00001; ESP Exome Variant Server 0.00008.
gnomAD v4.1: 14 of 1,555,510 alleles (0.0009%); highest among the groups gnomAD compares: South Asian, 0.0023%; no homozygotes.

Submissions (4):

GeneDx
Classification: Uncertain significance. Last evaluated: 2025-01-14. Review status: criteria provided, single submitter. Criteria: GeneDx Variant Classification Process June 2021. Collection method: clinical testing. Allele origin: germline. Affected: yes.
Comment: Reported in one proband from a cohort of patients with suspected skeletal dysplasia; however, detailed clinical information was not provided (PMID: 34627339); Not observed at significant frequency in large population cohorts (gnomAD); In silico analysis supports that this missense variant has a deleterious effect on protein structure/function; This variant is associated with the following publications: (PMID: 31871297, 29533785, 34627339)

Blueprint Genetics
Classification: Uncertain significance. Last evaluated: 2024-05-30. Review status: criteria provided, single submitter. Criteria: ACMG Guidelines, 2015. Collection method: clinical testing. Allele origin: germline.

Labcorp Genetics (formerly Invitae), Labcorp
Classification: Uncertain significance. Last evaluated: 2023-12-18. Review status: criteria provided, single submitter. Criteria: Invitae Variant Classification Sherloc (09022015). Collection method: clinical testing. Allele origin: germline.
Comment: This sequence change replaces arginine, which is basic and polar, with tryptophan, which is neutral and slightly polar, at codon 124 of the FGFR3 protein (p.Arg124Trp). This variant is not present in population databases (gnomAD no frequency). This missense change has been observed in individual(s) with FGFR3-related conditions (PMID: 34627339). ClinVar contains an entry for this variant (Variation ID: 1224374). Advanced modeling of protein sequence and biophysical properties (such as structural, functional, and spatial information, amino acid conservation, physicochemical variation, residue mobility, and thermodynamic stability) has been performed at Invitae for this missense variant, however the output from this modeling did not meet the statistical confidence thresholds required to predict the impact of this variant on FGFR3 protein function. In summary, the available evidence is currently insufficient to determine the role of this variant in disease. Therefore, it has been classified as a Variant of Uncertain Significance.

Women's Health and Genetics/Laboratory Corporation of America, LabCorp
Classification: Uncertain significance. Last evaluated: 2022-06-22. Review status: criteria provided, single submitter. Criteria: LabCorp Variant Classification Summary - May 2015. Collection method: clinical testing. Allele origin: germline.
Comment: Variant summary: FGFR3 c.370C>T (p.Arg124Trp) results in a non-conservative amino acid change located in the Immunoglobulin subtype domain (IPR003599) of the encoded protein sequence. Four of five in-silico tools predict a damaging effect of the variant on protein function. The variant allele was found at a frequency of 6.6e-06 in 150992 control chromosomes (gnomAD v3.1 genomes dataset). The available data on variant occurrences in the general population are insufficient to allow any conclusion about variant significance. c.370C>T has been reported in the literature in an individual with suspected skeletal dysplasia who underwent panel testing (Scocchia_2021), and in patient affected with pancreatic cancer (Goldstein_2020). These reports do not provide unequivocal conclusions about association of the variant with Achondroplasia. At least one publication reported experimental evidence evaluating an impact on protein function, and demonstrated the variant conferred survival advantage to cells in a viability assay (Ng_2018), however, this study does not allow convincing conclusions about the variant effect in relation to Achondroplasia. One clinical diagnostic laboratory has submitted clinical-significance assessments for this variant to ClinVar after 2014 without evidence for independent evaluation, and classified the variant as uncertain significance. Based on the evidence outlined above, the variant was classified as uncertain significance.

Literature cited by the submitters: PubMed 34627339 (cited by Labcorp Genetics (formerly Invitae), Labcorp and Women's Health and Genetics/Laboratory Corporation of America, LabCorp); PubMed 29533785 (cited by Women's Health and Genetics/Laboratory Corporation of America, LabCorp); PubMed 31871297 (cited by Women's Health and Genetics/Laboratory Corporation of America, LabCorp).

NM_000142.5(FGFR3):c.370C>T (p.Arg124Trp)

Gene: FGFR3 (fibroblast growth factor receptor 3; plus strand). Cytogenetic location: 4p16.3.
Variant type: single nucleotide variant.
Coding change: c.370C>T on transcript NM_000142.5 (MANE Select); coding-DNA position 370, C replaced by T.
Protein change: p.Arg124Trp; replaces arginine 124 with tryptophan.
Molecular consequence: missense variant. On other transcripts: non-coding transcript variant (1).
Genome position (GRCh38, 1-based): chr4:1,799,514, C>T. VCF-style: chr4-1799514-C-T. GRCh37 (hg19) VCF-style: chr4-1801241-C-T.
Other names: c.370C>T, p.Arg124Trp (NM_001163213.2, NM_001354809.2, NM_001354810.2 and 1 more transcripts); short protein forms R124W.
Identifiers: ClinVar variation 1224374 (VCV001224374.7), dbSNP rs199740841, ClinGen allele CA91245926.
Genomic context (GRCh38, chr4:1,799,514, plus strand): 5'-TCCGGGGCCTACAGCTGCCGGCAGCGGCTCACGCAGCGCGTACTGTGCCACTTCAGTGTG[C>T]GGGTGACAGGTGAGCTCTGGGGCCACGCCAGCTACAGAAAGGAGCCGAGTGCCGGGCTCC-3'
Protein context (NP_000133.1, residues 114-134): TQRVLCHFSV[Arg124Trp]VTDAPSSGDD